The following is an entry in ClinVar:

ClinVar aggregate classification (germline): Uncertain significance (1 of 4 stars; one submission).

Allele frequency attached by ClinVar (database versions not stated): gnomAD 0.00002; ESP Exome Variant Server 0.00008.
gnomAD v4.1: 11 of 1,612,470 alleles (0.00068%); highest among the groups gnomAD compares: African/African-American, 0.008%; no homozygotes.

Submission:

Labcorp Genetics (formerly Invitae), Labcorp
Classification: Uncertain significance. Last evaluated: 2022-10-19. Review status: criteria provided, single submitter. Criteria: Invitae Variant Classification Sherloc (09022015). Collection method: clinical testing. Allele origin: germline.
Comment: This sequence change replaces serine, which is neutral and polar, with phenylalanine, which is neutral and non-polar, at codon 7 of the PROM1 protein (p.Ser7Phe). This variant is present in population databases (rs373260255, gnomAD 0.01%). This variant has not been reported in the literature in individuals affected with PROM1-related conditions. Algorithms developed to predict the effect of missense changes on protein structure and function output the following: SIFT: "Tolerated"; PolyPhen-2: "Not Available"; Align-GVGD: "Class C0". The phenylalanine amino acid residue is found in multiple mammalian species, which suggests that this missense change does not adversely affect protein function. In summary, the available evidence is currently insufficient to determine the role of this variant in disease. Therefore, it has been classified as a Variant of Uncertain Significance.

NM_006017.3(PROM1):c.20C>T (p.Ser7Phe)

Gene: PROM1 (prominin 1; minus strand). Cytogenetic location: 4p15.32.
Variant type: single nucleotide variant.
Coding change: c.20C>T on transcript NM_006017.3 (MANE Select); coding-DNA position 20, C replaced by T.
Protein change: p.Ser7Phe; replaces serine 7 with phenylalanine.
Molecular consequence: missense variant.
Genome position (GRCh38, 1-based): chr4:16,075,887, G>A on the plus strand (C>T on the coding strand, the complement: PROM1 is on the minus strand). VCF-style: chr4-16075887-G-A. GRCh37 (hg19) VCF-style: chr4-16077510-G-A.
Other names: c.20C>T, p.Ser7Phe (NM_001145847.2, NM_001145848.2, NM_001145849.2 and 6 more transcripts); short protein forms S7F.
Identifiers: ClinVar variation 1929674 (VCV001929674.5), dbSNP rs373260255, ClinGen allele CA92606031.